The following is an entry in ClinVar:

ClinVar aggregate classification (germline): Benign. Review status: criteria provided, multiple submitters, no conflicts (2 of 4 stars). 4 submissions from 4 submitters: Benign (4). Last evaluated 2026-02-04.

Allele frequency attached by ClinVar (database versions not stated): 1000 Genomes Project 0.15236; 1000 Genomes Project 30x 0.15287; ESP Exome Variant Server 0.16368; gnomAD 0.17719 and 0.18222; TOPMed 0.17872.
gnomAD v4.1: 291,304 of 1,606,028 alleles (18%); highest among the groups gnomAD compares: Admixed American, 22%; 27,606 homozygotes.

Submissions (4):

Labcorp Genetics (formerly Invitae), Labcorp
Classification: Benign. Last evaluated: 2026-02-04. Review status: criteria provided, single submitter. Criteria: Invitae Variant Classification Sherloc (09022015). Collection method: clinical testing. Allele origin: germline.

Mayo Clinic Laboratories, Mayo Clinic
Classification: Benign. Last evaluated: 2022-10-27. Review status: criteria provided, single submitter. Criteria: ACMG Guidelines, 2015. Collection method: clinical testing. Allele origin: germline. Observed: 442 variant alleles.

GeneDx
Classification: Benign. Last evaluated: 2018-06-14. Review status: criteria provided, single submitter. Criteria: GeneDx Variant Classification (06012015). Collection method: clinical testing. Allele origin: germline. Affected: yes.
Comment: This variant is considered likely benign or benign based on one or more of the following criteria: it is a conservative change, it occurs at a poorly conserved position in the protein, it is predicted to be benign by multiple in silico algorithms, and/or has population frequency not consistent with disease.

Breakthrough Genomics
Classification: Benign. Review status: criteria provided, single submitter. Criteria: ACMG Guidelines, 2015. Collection method: not provided. Allele origin: germline. Inheritance: Autosomal recessive inheritance. Affected: yes.

NM_016138.5(COQ7):c.51G>A (p.Pro17=)

Genes: COQ7 (coenzyme Q7, hydroxylase; plus strand), LOC130058587 (ATAC-STARR-seq lymphoblastoid silent region 7240; plus strand). Cytogenetic location: 16p12.3.
Variant type: single nucleotide variant.
Coding change: c.51G>A on transcript NM_016138.5 (MANE Select); coding-DNA position 51, G replaced by A.
Protein change: p.Pro17=; no amino-acid change (proline 17 retained).
Molecular consequence: synonymous variant. On other transcripts: non-coding transcript variant (2).
Genome position (GRCh38, 1-based): chr16:19,067,715, G>A. VCF-style: chr16-19067715-G-A. GRCh37 (hg19) VCF-style: chr16-19079037-G-A.
Other names: p.Pro17=; c.51G>A, p.Pro17= (NM_001370490.1).
Identifiers: ClinVar variation 669700 (VCV000669700.14), dbSNP rs17357834, ClinGen allele CA7932840.